The following is an entry in ClinVar:

NM_001085049.3(MRAS):c.337_347+6dup

Gene: MRAS (muscle RAS oncogene homolog; plus strand). Cytogenetic location: 3q22.3.
Variant type: Duplication.
Coding change: c.337_347+6dup on transcript NM_001085049.3 (MANE Select); coding-DNA position 337 through 6 bases into the intron after coding-DNA position 347, 17 bases duplicated (GTCAAAGACAGGTGAGC).
Molecular consequence: splice donor variant.
Genome position (GRCh38, 1-based): chr3:138,397,467-138,397,483, GTCAAAGACAGGTGAGC duplicated; duplicating any 17 consecutive bases within chr3:138,397,465-138,397,483 gives the same sequence; the c. name uses the placement nearest the transcript's 3' end. VCF-style (leftmost placement, unchanged base first): chr3-138397464-C-CGCGTCAAAGACAGGTGA. GRCh37 (hg19) VCF-style: chr3-138116306-C-CGCGTCAAAGACAGGTGA.
Other names: c.337_347+6dup (NM_012219.4, NM_001252090.2); c.109_119+6dup (NM_001252091.1, NM_001252093.2, NM_001252092.2).
Identifiers: ClinVar variation 1442085 (VCV001442085.8), dbSNP rs1236201426, ClinGen allele CA2573136555.
Genomic context (GRCh38, chr3:138,397,464, plus strand): 5'-TACTCCGTCACTGACAAGGCCAGCTTTGAGCACGTGGACCGCTTCCACCAGCTTATCCTG[C>CGCGTCAAAGACAGGTGA]GCGTCAAAGACAGGTGAGCATCAAAGACAGGTGAGAGTACCGGGAAGAGGCCTGCGCCTG-3'

ClinVar aggregate classification (germline): Uncertain significance. Review status: criteria provided, multiple submitters, no conflicts (2 of 4 stars). 2 submissions from 2 submitters: Uncertain significance (2). Last evaluated 2025-08-29.

Submissions (2):

Labcorp Genetics (formerly Invitae), Labcorp
Classification: Uncertain significance. Last evaluated: 2025-08-29. Review status: criteria provided, single submitter. Criteria: Invitae Variant Classification Sherloc (09022015). Collection method: clinical testing. Allele origin: germline.
Comment: This sequence change falls in intron 3 of the MRAS gene. It does not directly change the encoded amino acid sequence of the MRAS protein. This variant is not present in population databases (gnomAD no frequency). This variant has not been reported in the literature in individuals affected with MRAS-related conditions. ClinVar contains an entry for this variant (Variation ID: 1442085). In summary, the available evidence is currently insufficient to determine the role of this variant in disease. Therefore, it has been classified as a Variant of Uncertain Significance.

Dasa
Classification: Uncertain significance. Last evaluated: 2024-11-13. Review status: criteria provided, single submitter. Criteria: DASA Assertion Criteria. Collection method: clinical testing. Allele origin: germline.
Comment: NM_001085049.3(MRAS):c.337_347+6dup is a splice-region variant. This variant is absent from population databases. The currently available literature and clinical evidence are not sufficient to establish a definitive association between this variant and the reported condition. Therefore, this variant is classified as a variant of uncertain significance.